The following is an entry in ClinVar:

ClinVar aggregate classification (germline): Uncertain significance (1 of 4 stars; one submission).

Conditions:
Autosomal recessive limb-girdle muscular dystrophy type 2W (MDRCMTT). Also called: Muscular dystrophy, limb-girdle, type 2W; Muscular dystrophy, autosomal recessive, with cardiomyopathy and triangular tongue. Identifiers: MedGen C4225192, MONDO:0014788, OMIM 616827.

gnomAD v4.1: 8 of 1,608,024 alleles (0.0005%); highest among the groups gnomAD compares: Admixed American, 0.0034%; no homozygotes.

Submission:

Labcorp Genetics (formerly Invitae), Labcorp
Classification: Uncertain significance for Autosomal recessive limb-girdle muscular dystrophy type 2W. Last evaluated: 2024-06-13. Review status: criteria provided, single submitter. Criteria: Invitae Variant Classification Sherloc (09022015). Collection method: clinical testing. Allele origin: germline.
Comment: This sequence change replaces glycine, which is neutral and non-polar, with arginine, which is basic and polar, at codon 221 of the LIMS2 protein (p.Gly221Arg). This variant is present in population databases (no rsID available, gnomAD 0.003%). This variant has not been reported in the literature in individuals affected with LIMS2-related conditions. Advanced modeling of protein sequence and biophysical properties (such as structural, functional, and spatial information, amino acid conservation, physicochemical variation, residue mobility, and thermodynamic stability) performed at Invitae indicates that this missense variant is not expected to disrupt LIMS2 protein function with a negative predictive value of 80%. Algorithms developed to predict the effect of sequence changes on RNA splicing suggest that this variant may create or strengthen a splice site. In summary, the available evidence is currently insufficient to determine the role of this variant in disease. Therefore, it has been classified as a Variant of Uncertain Significance.

NM_001161403.3(LIMS2):c.595G>A (p.Gly199Arg)

Gene: LIMS2 (LIM zinc finger domain containing 2; minus strand). Cytogenetic location: 2q14.3.
Variant type: single nucleotide variant.
Coding change: c.595G>A on transcript NM_001161403.3 (MANE Select); coding-DNA position 595, G replaced by A.
Protein change: p.Gly199Arg; replaces glycine 199 with arginine.
Molecular consequence: missense variant.
Genome position (GRCh38, 1-based): chr2:127,642,114, C>T on the plus strand (G>A on the coding strand, the complement: LIMS2 is on the minus strand). VCF-style: chr2-127642114-C-T. GRCh37 (hg19) VCF-style: chr2-128399689-C-T.
Other names: c.661G>A, p.Gly221Arg (NM_001136037.4); c.580G>A, p.Gly194Arg (NM_001161404.2); c.139G>A, p.Gly47Arg (NM_001256542.2); c.667G>A, p.Gly223Arg (NM_017980.5); short protein forms G221R, G194R, G223R, G47R, G199R.
Identifiers: ClinVar variation 3702536 (VCV003702536.2).
Genomic context (GRCh38, chr2:127,642,114, plus strand): 5'-CGTGCCACTGCTTGCCCAGCGCGTTGACCACTCGGCCCTCGATGGGCCGGCGGCAGGCCC[C>T]GCAGATGGGGACGCCCATCTTGTCATGGCAGGGCAGGCAGTAGAGCTCACCCTTCAGCTC-3'
Protein context (NP_001154875.1, residues 189-209): CHDKMGVPIC[Gly199Arg]ACRRPIEGRV